The following is an entry in ClinVar:

NM_020928.2(ZSWIM6):c.3316G>C (p.Asp1106His)

Gene: ZSWIM6 (zinc finger SWIM-type containing 6; plus strand). Cytogenetic location: 5q12.1.
Variant type: single nucleotide variant.
Coding change: c.3316G>C on transcript NM_020928.2 (MANE Select); coding-DNA position 3316, G replaced by C.
Protein change: p.Asp1106His; replaces aspartic acid 1106 with histidine.
Molecular consequence: missense variant.
Genome position (GRCh38, 1-based): chr5:61,543,985, G>C. VCF-style: chr5-61543985-G-C. GRCh37 (hg19) VCF-style: chr5-60839812-G-C.
Other names: short protein forms D1106H.
Identifiers: ClinVar variation 2572922 (VCV002572922.1), dbSNP rs2478408693, ClinGen allele CA359947335.
Genomic context (GRCh38, chr5:61,543,985, plus strand): 5'-GAGCTTGCAGCTATAATACCTCTGGTGGTCAAGAGTGTCAAGTGTGCAACGGTACTGTCA[G>C]ACATTTTGCGCAGATGCACTCTGACCACTCCTGGCATGGTGGGACTTCATGGGAGGAGGA-3'
Protein context (NP_065979.1, residues 1096-1116): KSVKCATVLS[Asp1106His]ILRRCTLTTP

ClinVar aggregate classification (germline): Uncertain significance (1 of 4 stars; one submission).

Submission:

GeneDx
Classification: Uncertain significance. Last evaluated: 2023-01-17. Review status: criteria provided, single submitter. Criteria: GeneDx Variant Classification Process June 2021. Collection method: clinical testing. Allele origin: germline. Affected: yes.
Comment: Not observed at significant frequency in large population cohorts (gnomAD); In silico analysis supports that this missense variant has a deleterious effect on protein structure/function; Has not been previously published as pathogenic or benign to our knowledge